The following is an entry in ClinVar:

ClinVar aggregate classification (germline): Uncertain significance (1 of 4 stars; one submission).

Conditions:
Seizures, benign familial infantile, 3 (BFIS3). Also called: Familial neonatal seizures; CONVULSIONS, BENIGN FAMILIAL INFANTILE, 3. Identifiers: Orphanet 140927, Orphanet 306, MedGen C1843140, MONDO:0011904, OMIM 607745.
Developmental and epileptic encephalopathy, 11 (DEE11). Also called: Early infantile epileptic encephalopathy 11. Identifiers: Orphanet 1934, MedGen C3150987, MONDO:0013388, OMIM 613721.

Submission:

Labcorp Genetics (formerly Invitae), Labcorp
Classification: Uncertain significance for Seizures, benign familial infantile, 3; Developmental and epileptic encephalopathy, 11. Last evaluated: 2022-08-31. Review status: criteria provided, single submitter. Criteria: Invitae Variant Classification Sherloc (09022015). Collection method: clinical testing. Allele origin: germline.
Comment: This variant is not present in population databases (gnomAD no frequency). This sequence change replaces glycine, which is neutral and non-polar, with aspartic acid, which is acidic and polar, at codon 536 of the SCN2A protein (p.Gly536Asp). This variant has not been reported in the literature in individuals affected with SCN2A-related conditions. In summary, the available evidence is currently insufficient to determine the role of this variant in disease. Therefore, it has been classified as a Variant of Uncertain Significance. Algorithms developed to predict the effect of missense changes on protein structure and function are either unavailable or do not agree on the potential impact of this missense change (SIFT: "Deleterious"; PolyPhen-2: "Possibly Damaging"; Align-GVGD: "Class C0"). ClinVar contains an entry for this variant (Variation ID: 1003705).

NM_001040142.2(SCN2A):c.1607G>A (p.Gly536Asp)

Gene: SCN2A (sodium voltage-gated channel alpha subunit 2; plus strand). Cytogenetic location: 2q24.3.
Variant type: single nucleotide variant.
Coding change: c.1607G>A on transcript NM_001040142.2 (MANE Select); coding-DNA position 1607, G replaced by A.
Protein change: p.Gly536Asp; replaces glycine 536 with aspartic acid.
Molecular consequence: missense variant.
Genome position (GRCh38, 1-based): chr2:165,315,694, G>A. VCF-style: chr2-165315694-G-A. GRCh37 (hg19) VCF-style: chr2-166172204-G-A.
Other names: c.1607G>A, p.Gly536Asp (NM_001040143.2, NM_001371246.1, NM_001371247.1 and 1 more transcripts); short protein forms G536D.
Identifiers: ClinVar variation 1003705 (VCV001003705.12), dbSNP rs1697707398, ClinGen allele CA349023865.
Genomic context (GRCh38, chr2:165,315,694, plus strand): 5'-AAGAAGAGAAAAATGACAGAGTCCGAAAATCGGAATCTGAAGACAGCATAAGAAGAAAAG[G>A]TTTCCGTTTTTCCTTGGAAGGAAGTAGGCTGACATATGAAAAGAGATTTTCTTCTCCACA-3'
Protein context (NP_001035232.1, residues 526-546): SESEDSIRRK[Gly536Asp]FRFSLEGSRL